The following is an entry in ClinVar:

ClinVar aggregate classification (germline): Uncertain significance (1 of 4 stars; one submission).

Conditions:
Biotin-responsive basal ganglia disease (BTBGD). Also called: Thiamine Transporter-2 Deficiency; thiamine-responsive encephalopathy; THIAMINE METABOLISM DYSFUNCTION SYNDROME 2 (BIOTIN- AND THIAMINE-RESPONSIVE TYPE); Thiamine metabolism dysfunction syndrome 2 (biotin- or thiamine-responsive encephalopathy type 2); Thiamine metabolism dysfunction syndrome type 2. Identifiers: Orphanet 199348, Orphanet 65284, MedGen C1843807, MONDO:0011841, OMIM 607483.

Allele frequency attached by ClinVar (database versions not stated): TOPMed 0.00001.

Submission:

Labcorp Genetics (formerly Invitae), Labcorp
Classification: Uncertain significance for Biotin-responsive basal ganglia disease. Last evaluated: 2022-08-01. Review status: criteria provided, single submitter. Criteria: Invitae Variant Classification Sherloc (09022015). Collection method: clinical testing. Allele origin: germline.
Comment: This sequence change replaces alanine, which is neutral and non-polar, with glycine, which is neutral and non-polar, at codon 450 of the SLC19A3 protein (p.Ala450Gly). This variant is present in population databases (rs767080667, gnomAD 0.009%). This variant has not been reported in the literature in individuals affected with SLC19A3-related conditions. ClinVar contains an entry for this variant (Variation ID: 844824). Algorithms developed to predict the effect of missense changes on protein structure and function are either unavailable or do not agree on the potential impact of this missense change (SIFT: "Deleterious"; PolyPhen-2: "Possibly Damaging"; Align-GVGD: "Class C0"). In summary, the available evidence is currently insufficient to determine the role of this variant in disease. Therefore, it has been classified as a Variant of Uncertain Significance.

NM_025243.4(SLC19A3):c.1349C>G (p.Ala450Gly)

Gene: SLC19A3 (solute carrier family 19 member 3; minus strand). Cytogenetic location: 2q36.3.
Variant type: single nucleotide variant.
Coding change: c.1349C>G on transcript NM_025243.4 (MANE Select); coding-DNA position 1349, C replaced by G.
Protein change: p.Ala450Gly; replaces alanine 450 with glycine.
Molecular consequence: missense variant.
Genome position (GRCh38, 1-based): chr2:227,687,539, G>C on the plus strand (C>G on the coding strand, the complement: SLC19A3 is on the minus strand). VCF-style: chr2-227687539-G-C. GRCh37 (hg19) VCF-style: chr2-228552255-G-C.
Other names: c.1349C>G, p.Ala450Gly (NM_001371411.1, NM_001371412.1); c.1337C>G, p.Ala446Gly (NM_001371413.1, NM_001371414.1); short protein forms A446G, A450G.
Identifiers: ClinVar variation 844824 (VCV000844824.7), dbSNP rs767080667, ClinGen allele CA2149092.
Genomic context (GRCh38, chr2:227,687,539, plus strand): 5'-ACATCCTTCTGGGATTTGGTTGAGTAGGTAATATACATGCTTCTCATTAGGAAAATTCCA[G>C]CAATTACTGCAAAATAGCTCCCATAAACTAAAAACTGGAGAAAAACAAATAATTAGCCAC-3'
Protein context (NP_079519.1, residues 440-460): LVYGSYFAVI[Ala450Gly]GIFLMRSMYI